The following is an entry in ClinVar:

NM_199420.4(POLQ):c.5926C>T (p.Leu1976Phe)

Gene: POLQ (DNA polymerase theta; minus strand). Cytogenetic location: 3q13.33.
Variant type: single nucleotide variant.
Coding change: c.5926C>T on transcript NM_199420.4 (MANE Select); coding-DNA position 5926, C replaced by T.
Protein change: p.Leu1976Phe; replaces leucine 1976 with phenylalanine.
Molecular consequence: missense variant.
Genome position (GRCh38, 1-based): chr3:121,483,430, G>A on the plus strand (C>T on the coding strand, the complement: POLQ is on the minus strand). VCF-style: chr3-121483430-G-A. GRCh37 (hg19) VCF-style: chr3-121202277-G-A.
Other names: short protein forms L1976F.
Identifiers: ClinVar variation 1750530 (VCV001750530.2), dbSNP rs2047985958, ClinGen allele CA354088485.

ClinVar aggregate classification (germline): Uncertain significance (1 of 4 stars; one submission).

Allele frequency attached by ClinVar (database versions not stated): gnomAD 0.00001; gnomAD exomes 0.00001.
gnomAD v4.1: 5 of 1,588,270 alleles (0.00031%); highest among the groups gnomAD compares: South Asian, 0.0012%; no homozygotes.

Submission:

Ambry Genetics
Classification: Uncertain significance. Last evaluated: 2024-01-12. Review status: criteria provided, single submitter. Criteria: Ambry Variant Classification Scheme 2023. Collection method: clinical testing. Allele origin: germline.
Comment: The p.L1976F variant (also known as c.5926C>T), located in coding exon 18 of the POLQ gene, results from a C to T substitution at nucleotide position 5926. The leucine at codon 1976 is replaced by phenylalanine, an amino acid with highly similar properties. This amino acid position is conserved. In addition, this alteration is predicted to be tolerated by in silico analysis. Since supporting evidence is limited at this time, the clinical significance of this alteration remains unclear.